The following is an entry in ClinVar:

NM_001110556.2(FLNA):c.1207T>C (p.Tyr403His)

Gene: FLNA (filamin A; minus strand). Cytogenetic location: Xq28.
Variant type: single nucleotide variant.
Coding change: c.1207T>C on transcript NM_001110556.2 (MANE Select); coding-DNA position 1207, T replaced by C.
Protein change: p.Tyr403His; replaces tyrosine 403 with histidine.
Molecular consequence: missense variant.
Genome position (GRCh38, 1-based): chrX:154,366,329, A>G on the plus strand (T>C on the coding strand, the complement: FLNA is on the minus strand). VCF-style: chrX-154366329-A-G. GRCh37 (hg19) VCF-style: chrX-153594697-A-G.
Other names: c.1207T>C, p.Tyr403His (NM_001456.4); short protein forms Y403H.
Identifiers: ClinVar variation 2575739 (VCV002575739.1), dbSNP rs2522760737, ClinGen allele CA415244143.
Genomic context (GRCh38, chrX:154,366,329, plus strand): 5'-TCCCCACAGACCAGCTGGGCCTTGGCAGCCTCCCCTCACCTGCCGTAAAGATCTCAAAGT[A>G]GGTGGTCTTGTTGGCGATGTTGCCACTGGGCTCCAGGCCGGGACCTTGGGCTGTCACTTT-3'
Protein context (NP_001104026.1, residues 393-413): PSGNIANKTT[Tyr403His]FEIFTAGAGT

ClinVar aggregate classification (germline): Uncertain significance (1 of 4 stars; one submission).

Submission:

GeneDx
Classification: Uncertain significance. Last evaluated: 2023-02-09. Review status: criteria provided, single submitter. Criteria: GeneDx Variant Classification Process June 2021. Collection method: clinical testing. Allele origin: germline. Affected: yes.
Comment: Not observed at significant frequency in large population cohorts (gnomAD); In silico analysis supports that this missense variant has a deleterious effect on protein structure/function; Has not been previously published as pathogenic or benign to our knowledge